The following is an entry in ClinVar:

NM_001916.5(CYC1):c.*9A>G

Gene: CYC1 (cytochrome c1; plus strand). Cytogenetic location: 8q24.3.
Variant type: single nucleotide variant.
Coding change: c.*9A>G on transcript NM_001916.5 (MANE Select); 9 bases downstream of the stop codon, A replaced by G.
Molecular consequence: 3 prime UTR variant.
Genome position (GRCh38, 1-based): chr8:144,097,345, A>G. VCF-style: chr8-144097345-A-G. GRCh37 (hg19) VCF-style: chr8-145152248-A-G.
Identifiers: ClinVar variation 4981125 (VCV004981125.1).

ClinVar aggregate classification (germline): Likely benign (1 of 4 stars; one submission).

Conditions:
CYC1-related disorder. Also called: CYC1-related condition.

gnomAD v4.1: 11 of 1,612,192 alleles (0.00068%); highest among the groups gnomAD compares: South Asian, 0.0011%; no homozygotes.

Submission:

PreventionGenetics, part of Exact Sciences
Classification: Likely benign for CYC1-related condition. Last evaluated: 2026-03-21. Review status: criteria provided, single submitter. Criteria: ACMG Guidelines, 2015. Collection method: clinical testing. Allele origin: germline.
Comment: This variant is classified as likely benign based on ACMG/AMP sequence variant interpretation guidelines (Richards et al. 2015 PMID: 25741868, with internal and published modifications).